The following is an entry in ClinVar:

NM_004357.5(CD151):c.415C>T (p.His139Tyr)

Gene: CD151 (CD151 molecule (Raph blood group); plus strand). Cytogenetic location: 11p15.5.
Variant type: single nucleotide variant.
Coding change: c.415C>T on transcript NM_004357.5 (MANE Select); coding-DNA position 415, C replaced by T.
Protein change: p.His139Tyr; replaces histidine 139 with tyrosine.
Molecular consequence: missense variant.
Genome position (GRCh38, 1-based): chr11:837,313, C>T. VCF-style: chr11-837313-C-T. GRCh37 (hg19) VCF-style: chr11-837313-C-T.
Other names: c.415C>T, p.His139Tyr (NM_001039490.2, NM_139029.2, NM_139030.4); short protein forms H139Y.
Identifiers: ClinVar variation 1908723 (VCV001908723.6), dbSNP rs770842620, ClinGen allele CA5792190.

ClinVar aggregate classification (germline): Uncertain significance. Review status: criteria provided, multiple submitters, no conflicts (2 of 4 stars). 2 submissions from 2 submitters: Uncertain significance (2). Last evaluated 2025-12-28.

Conditions:
Inborn genetic diseases. Identifiers: MedGen C0950123, MeSH D030342.

Allele frequency attached by ClinVar (database versions not stated): TOPMed below 0.00001; ExAC 0.00001; gnomAD 0.00001; gnomAD exomes 0.00002.
gnomAD v4.1: 22 of 1,612,904 alleles (0.0014%); highest among the groups gnomAD compares: Middle Eastern, 0.016%; no homozygotes.

Submissions (2):

Labcorp Genetics (formerly Invitae), Labcorp
Classification: Uncertain significance. Last evaluated: 2025-12-28. Review status: criteria provided, single submitter. Criteria: Invitae Variant Classification Sherloc (09022015). Collection method: clinical testing. Allele origin: germline.
Comment: This sequence change replaces histidine, which is basic and polar, with tyrosine, which is neutral and polar, at codon 139 of the CD151 protein (p.His139Tyr). This variant is present in population databases (rs770842620, gnomAD 0.0009%). This variant has not been reported in the literature in individuals affected with CD151-related conditions. ClinVar contains an entry for this variant (Variation ID: 1908723). An algorithm developed to predict the effect of missense changes on protein structure and function (PolyPhen-2) suggests that this variant is likely to be tolerated. In summary, the available evidence is currently insufficient to determine the role of this variant in disease. Therefore, it has been classified as a Variant of Uncertain Significance.

Ambry Genetics
Classification: Uncertain significance for Inborn genetic diseases. Last evaluated: 2021-08-30. Review status: criteria provided, single submitter. Criteria: Ambry Variant Classification Scheme 2023. Collection method: clinical testing. Allele origin: germline.